The following is an entry in ClinVar:

NM_015178.3(RHOBTB2):c.72C>T (p.Ala24=)

Gene: RHOBTB2 (Rho related BTB domain containing 2; plus strand). Cytogenetic location: 8p21.3.
Variant type: single nucleotide variant.
Coding change: c.72C>T on transcript NM_015178.3 (MANE Select); coding-DNA position 72, C replaced by T.
Protein change: p.Ala24=; no amino-acid change (alanine 24 retained).
Molecular consequence: synonymous variant.
Genome position (GRCh38, 1-based): chr8:23,004,506, C>T. VCF-style: chr8-23004506-C-T. GRCh37 (hg19) VCF-style: chr8-22862019-C-T.
Other names: c.138C>T, p.Ala46= (NM_001160036.2); c.93C>T, p.Ala31= (NM_001160037.2); c.72C>T, p.Ala24= (NM_001374791.1).
Identifiers: ClinVar variation 1990466 (VCV001990466.6), dbSNP rs372520177, ClinGen allele CA4672368.

ClinVar aggregate classification (germline): Likely benign. Review status: criteria provided, multiple submitters, no conflicts (2 of 4 stars). 2 submissions from 2 submitters: Likely benign (2). Last evaluated 2026-05-01.

Allele frequency attached by ClinVar (database versions not stated): gnomAD 0.00001; gnomAD exomes 0.00001; ExAC 0.00002; ESP Exome Variant Server 0.00008.
gnomAD v4.1: 17 of 1,614,044 alleles (0.0011%); highest among the groups gnomAD compares: East Asian, 0.0022%; no homozygotes.

Submissions (2):

CeGaT Center for Human Genetics Tuebingen
Classification: Likely benign. Last evaluated: 2026-05-01. Review status: criteria provided, single submitter. Criteria: CeGaT Center For Human Genetics Tuebingen Variant Classification Criteria Version 2. Collection method: clinical testing. Allele origin: germline. Affected: yes. Observed: 1 variant allele.
Comment: RHOBTB2: BP4, BP7

Labcorp Genetics (formerly Invitae), Labcorp
Classification: Likely benign. Last evaluated: 2025-03-17. Review status: criteria provided, single submitter. Criteria: Invitae Variant Classification Sherloc (09022015). Collection method: clinical testing. Allele origin: germline.